The following is an entry in ClinVar:

ClinVar aggregate classification (germline): Uncertain significance (1 of 4 stars; one submission).

Submission:

GeneDx
Classification: Uncertain significance. Last evaluated: 2026-02-22. Review status: criteria provided, single submitter. Criteria: GeneDx Variant Classification Process June 2021. Collection method: clinical testing. Allele origin: germline.
Comment: Not observed at significant frequency in large population cohorts (gnomAD); In silico analysis supports that this missense variant has a deleterious effect on protein structure/function; Has not been previously published as pathogenic or benign to our knowledge

NM_001615.4(ACTG2):c.326C>G (p.Ala109Gly)

Gene: ACTG2 (actin gamma 2, smooth muscle; plus strand). Cytogenetic location: 2p13.1.
Variant type: single nucleotide variant.
Coding change: c.326C>G on transcript NM_001615.4 (MANE Select); coding-DNA position 326, C replaced by G.
Protein change: p.Ala109Gly; replaces alanine 109 with glycine.
Molecular consequence: missense variant.
Genome position (GRCh38, 1-based): chr2:73,908,743, C>G. VCF-style: chr2-73908743-C-G. GRCh37 (hg19) VCF-style: chr2-74135870-C-G.
Other names: c.197C>G, p.Ala66Gly (NM_001199893.2); short protein forms A109G, A66G.
Identifiers: ClinVar variation 5010024 (VCV005010024.1).
Genomic context (GRCh38, chr2:73,908,743, plus strand): 5'-ACTCCTTCTACAATGAGCTGCGTGTAGCACCTGAAGAGCACCCCACCCTGCTCACAGAGG[C>G]TCCCCTAAATCCCAAGGCCAACAGGGAAAAGATGACCCAGGTAAGAAGCCAGGAAGACTT-3'
Protein context (NP_001606.1, residues 99-119): PEEHPTLLTE[Ala109Gly]PLNPKANREK